The following is an entry in ClinVar:

NM_014159.7(SETD2):c.1923A>G (p.Ile641Met)

Gene: SETD2 (SET domain containing 2, histone lysine methyltransferase; minus strand). Cytogenetic location: 3p21.31.
Variant type: single nucleotide variant.
Coding change: c.1923A>G on transcript NM_014159.7 (MANE Select); coding-DNA position 1923, A replaced by G.
Protein change: p.Ile641Met; replaces isoleucine 641 with methionine.
Molecular consequence: missense variant. On other transcripts: non-coding transcript variant (1).
Genome position (GRCh38, 1-based): chr3:47,122,713, T>C on the plus strand (A>G on the coding strand, the complement: SETD2 is on the minus strand). VCF-style: chr3-47122713-T-C. GRCh37 (hg19) VCF-style: chr3-47164203-T-C.
Other names: c.1791A>G, p.Ile597Met (NM_001349370.3); short protein forms I597M, I641M.
Identifiers: ClinVar variation 1009161 (VCV001009161.5), dbSNP rs2043150664, ClinGen allele CA352528391.
Genomic context (GRCh38, chr3:47,122,713, plus strand): 5'-ATCATTCTTCACTTTAGATAAAGAGTCTAATTCCTTAATACTATCATGGCTATCATGTGT[T>C]ATAAATTCGGACTTAAAAATAGGCAATTCATCTAGCTTTTTTAAAGTAGGTGAATCATTT-3'
Protein context (NP_054878.5, residues 631-651): DELPIFKSEF[Ile641Met]THDSHDSIKE

ClinVar aggregate classification (germline): Uncertain significance (1 of 4 stars; one submission).

Conditions:
Luscan-Lumish syndrome. Identifiers: Orphanet 597738, MedGen C4085873, MONDO:0014791, OMIM 616831.

Submission:

Labcorp Genetics (formerly Invitae), Labcorp
Classification: Uncertain significance for Luscan-Lumish syndrome. Last evaluated: 2022-07-26. Review status: criteria provided, single submitter. Criteria: Invitae Variant Classification Sherloc (09022015). Collection method: clinical testing. Allele origin: germline.
Comment: In summary, the available evidence is currently insufficient to determine the role of this variant in disease. Therefore, it has been classified as a Variant of Uncertain Significance. Algorithms developed to predict the effect of missense changes on protein structure and function output the following: SIFT: "Tolerated"; PolyPhen-2: "Benign"; Align-GVGD: "Class C0". The methionine amino acid residue is found in multiple mammalian species, which suggests that this missense change does not adversely affect protein function. ClinVar contains an entry for this variant (Variation ID: 1009161). This variant has not been reported in the literature in individuals affected with SETD2-related conditions. This variant is not present in population databases (gnomAD no frequency). This sequence change replaces isoleucine, which is neutral and non-polar, with methionine, which is neutral and non-polar, at codon 641 of the SETD2 protein (p.Ile641Met).